The following is an entry in ClinVar:

NM_001211.6(BUB1B):c.26G>T (p.Gly9Val)

Genes: BUB1B (BUB1 mitotic checkpoint serine/threonine kinase B; plus strand), LOC130056830 (ATAC-STARR-seq lymphoblastoid active region 9236; plus strand). Cytogenetic location: 15q15.1.
Variant type: single nucleotide variant.
Coding change: c.26G>T on transcript NM_001211.6 (MANE Select); coding-DNA position 26, G replaced by T.
Protein change: p.Gly9Val; replaces glycine 9 with valine.
Molecular consequence: missense variant.
Genome position (GRCh38, 1-based): chr15:40,161,246, G>T. VCF-style: chr15-40161246-G-T. GRCh37 (hg19) VCF-style: chr15-40453447-G-T.
Other names: short protein forms G9V.
Identifiers: ClinVar variation 1401108 (VCV001401108.8), dbSNP rs768279736, ClinGen allele CA391676494.
Genomic context (GRCh38, chr15:40,161,246, plus strand): 5'-TGCAGCAGGACGAGGACCTGAGCCAGGAATGCAGGATGGCGGCGGTGAAGAAGGAAGGGG[G>T]TGCTCTGAGGTAGGTACGGGAGAAAGCTGCTGGGGGCTGGGCCTGAGAGGACACGGCCTG-3'
Protein context (NP_001202.5, residues 1-19): MAAVKKEG[Gly9Val]ALSEAMSLEG

ClinVar aggregate classification (germline): Uncertain significance (1 of 4 stars; one submission).

Conditions:
Mosaic variegated aneuploidy syndrome 1 (MVA1). Also called: Warburton-Anyane-Yeboa syndrome. Identifiers: Orphanet 1052, MedGen C1850343, MONDO:0009759, OMIM 257300.

Submission:

Labcorp Genetics (formerly Invitae), Labcorp
Classification: Uncertain significance for Mosaic variegated aneuploidy syndrome 1. Last evaluated: 2021-03-29. Review status: criteria provided, single submitter. Criteria: Invitae Variant Classification Sherloc (09022015). Collection method: clinical testing. Allele origin: germline.
Comment: In summary, the available evidence is currently insufficient to determine the role of this variant in disease. Therefore, it has been classified as a Variant of Uncertain Significance. Algorithms developed to predict the effect of missense changes on protein structure and function output the following: SIFT: "Tolerated"; PolyPhen-2: "Benign"; Align-GVGD: "Class C0". The valine amino acid residue is found in multiple mammalian species, suggesting that this missense change does not adversely affect protein function. These predictions have not been confirmed by published functional studies and their clinical significance is uncertain. This variant has not been reported in the literature in individuals with BUB1B-related conditions. This variant is not present in population databases (ExAC no frequency). This sequence change replaces glycine with valine at codon 9 of the BUB1B protein (p.Gly9Val). The glycine residue is weakly conserved and there is a moderate physicochemical difference between glycine and valine.